The following is an entry in ClinVar:

ClinVar aggregate classification (germline): Uncertain significance (1 of 4 stars; one submission).

Submission:

Labcorp Genetics (formerly Invitae), Labcorp
Classification: Uncertain significance. Last evaluated: 2025-04-08. Review status: criteria provided, single submitter. Criteria: Invitae Variant Classification Sherloc (09022015). Collection method: clinical testing. Allele origin: germline.
Comment: This sequence change replaces cysteine, which is neutral and slightly polar, with arginine, which is basic and polar, at codon 337 of the CTNNA1 protein (p.Cys337Arg). This variant is not present in population databases (gnomAD no frequency). This variant has not been reported in the literature in individuals affected with CTNNA1-related conditions. Invitae Evidence Modeling of protein sequence and biophysical properties (such as structural, functional, and spatial information, amino acid conservation, physicochemical variation, residue mobility, and thermodynamic stability) indicates that this missense variant is expected to disrupt CTNNA1 protein function with a positive predictive value of 80%. In summary, the available evidence is currently insufficient to determine the role of this variant in disease. Therefore, it has been classified as a Variant of Uncertain Significance.

NM_001903.5(CTNNA1):c.1009T>C (p.Cys337Arg)

Gene: CTNNA1 (catenin alpha 1; plus strand). Cytogenetic location: 5q31.2.
Variant type: single nucleotide variant.
Coding change: c.1009T>C on transcript NM_001903.5 (MANE Select); coding-DNA position 1009, T replaced by C.
Protein change: p.Cys337Arg; replaces cysteine 337 with arginine.
Molecular consequence: missense variant.
Genome position (GRCh38, 1-based): chr5:138,827,665, T>C. VCF-style: chr5-138827665-T-C. GRCh37 (hg19) VCF-style: chr5-138163354-T-C.
Other names: c.1009T>C, p.Cys337Arg (NM_001290307.3, NM_001323982.2, NM_001323983.1 and 3 more transcripts); c.700T>C, p.Cys234Arg (NM_001290309.3); c.640T>C, p.Cys214Arg (NM_001290310.3); short protein forms C234R, C337R, C214R.
Identifiers: ClinVar variation 4740715 (VCV004740715.1).
Genomic context (GRCh38, chr5:138,827,665, plus strand): 5'-GCCTTGATGGCCGACTCGTCCTGCACGCGTGATGACCGTCGTGAGCGAATTGTGGCAGAG[T>C]GTAATGCTGTCCGCCAGGCCCTGCAGGACCTGCTTTCGGAGTACATGGGCAATGTGAGTT-3'
Protein context (NP_001894.2, residues 327-347): DDRRERIVAE[Cys337Arg]NAVRQALQDL